The following is an entry in ClinVar:

NM_000836.4(GRIN2D):c.997G>A (p.Ala333Thr)

Gene: GRIN2D (glutamate ionotropic receptor NMDA type subunit 2D; plus strand). Cytogenetic location: 19q13.33.
Variant type: single nucleotide variant.
Coding change: c.997G>A on transcript NM_000836.4 (MANE Select); coding-DNA position 997, G replaced by A.
Protein change: p.Ala333Thr; replaces alanine 333 with threonine.
Molecular consequence: missense variant.
Genome position (GRCh38, 1-based): chr19:48,405,265, G>A. VCF-style: chr19-48405265-G-A. GRCh37 (hg19) VCF-style: chr19-48908522-G-A.
Other names: short protein forms A333T.
Identifiers: ClinVar variation 2472748 (VCV002472748.6), dbSNP rs200627009, ClinGen allele CA9550436.
Genomic context (GRCh38, chr19:48,405,265, plus strand): 5'-CGGGATGACCTGGCTCGGCGAGTGGCAGCTGGCGTGGCCGTAGTGGCCAGAGGTGCCCAG[G>A]CCCTGCTGCGTGATTATGGTTTCCTTCCTGAGCTCGGCCACGACTGTCGCGCCCAGAACC-3'
Protein context (NP_000827.2, residues 323-343): GVAVVARGAQ[Ala333Thr]LLRDYGFLPE

ClinVar aggregate classification (germline): Uncertain significance. Review status: criteria provided, multiple submitters, no conflicts (2 of 4 stars). 2 submissions from 2 submitters: Uncertain significance (2). Last evaluated 2025-12-02.

Conditions:
Inborn genetic diseases. Identifiers: MedGen C0950123, MeSH D030342.

Allele frequency attached by ClinVar (database versions not stated): ExAC 0.00001; gnomAD exomes 0.00001; TOPMed 0.00002; gnomAD 0.00005; 1000 Genomes Project 30x 0.00016; 1000 Genomes Project 0.00020.
gnomAD v4.1: 27 of 1,599,750 alleles (0.0017%); highest among the groups gnomAD compares: East Asian, 0.018%; no homozygotes.

Submissions (2):

Ambry Genetics
Classification: Uncertain significance for Inborn genetic diseases. Last evaluated: 2025-12-02. Review status: criteria provided, single submitter. Criteria: Ambry Variant Classification Scheme 2023. Collection method: clinical testing. Allele origin: germline.

Labcorp Genetics (formerly Invitae), Labcorp
Classification: Uncertain significance. Last evaluated: 2023-02-18. Review status: criteria provided, single submitter. Criteria: Invitae Variant Classification Sherloc (09022015). Collection method: clinical testing. Allele origin: germline.
Comment: In summary, the available evidence is currently insufficient to determine the role of this variant in disease. Therefore, it has been classified as a Variant of Uncertain Significance. Advanced modeling of protein sequence and biophysical properties (such as structural, functional, and spatial information, amino acid conservation, physicochemical variation, residue mobility, and thermodynamic stability) performed at Invitae indicates that this missense variant is not expected to disrupt GRIN2D protein function. This variant has not been reported in the literature in individuals affected with GRIN2D-related conditions. This variant is present in population databases (rs200627009, gnomAD 0.02%). This sequence change replaces alanine, which is neutral and non-polar, with threonine, which is neutral and polar, at codon 333 of the GRIN2D protein (p.Ala333Thr).